The following is an entry in ClinVar:

NM_000051.4(ATM):c.8739T>G (p.Asp2913Glu)

Genes: ATM (ATM serine/threonine kinase; plus strand), C11orf65 (chromosome 11 open reading frame 65; minus strand). Cytogenetic location: 11q22.3.
Variant type: single nucleotide variant.
Coding change: c.8739T>G on transcript NM_000051.4 (MANE Select); coding-DNA position 8739, T replaced by G.
Protein change: p.Asp2913Glu; replaces aspartic acid 2913 with glutamic acid.
Molecular consequence: missense variant. On other transcripts: intron variant (2).
Genome position (GRCh38, 1-based): chr11:108,353,833, T>G. VCF-style: chr11-108353833-T-G. GRCh37 (hg19) VCF-style: chr11-108224560-T-G.
Other names: c.8739T>G, p.Asp2913Glu (NM_001351834.2); c.640+32087A>C (NM_001330368.2); c.695-18541A>C (NM_001351110.2); short protein forms D2913E.
Identifiers: ClinVar variation 407467 (VCV000407467.26), dbSNP rs764778912, ClinGen allele CA6266431.

ClinVar aggregate classification (germline): Uncertain significance. Review status: criteria provided, multiple submitters, no conflicts (2 of 4 stars). 4 submissions from 4 submitters: Uncertain significance (3). 1 of the submissions does not count toward it. Last evaluated 2025-02-26.

Conditions:
Hereditary cancer-predisposing syndrome. Also called: Neoplastic Syndromes, Hereditary; Hereditary Cancer Syndrome; Tumor predisposition; Hereditary neoplastic syndrome. Identifiers: Orphanet 140162, MedGen C0027672, MeSH D009386, MONDO:0015356.
Ataxia-telangiectasia syndrome (AT). Also called: LOUIS-BAR SYNDROME; Cerebello-oculocutaneous telangiectasia; Immunodeficiency with ataxia telangiectasia; Ataxia-telangiectasia, complementation group D; AT, COMPLEMENTATION GROUP C; Ataxia-telangiectasia, complementation group E. Identifiers: Orphanet 100, MedGen C0004135, MONDO:0008840, OMIM 208900.

Allele frequency attached by ClinVar (database versions not stated): ExAC 0.00001.

Submissions (4):

Ambry Genetics
Classification: Uncertain significance for Hereditary cancer-predisposing syndrome. Last evaluated: 2025-02-26. Review status: criteria provided, single submitter. Criteria: Ambry Variant Classification Scheme 2023. Collection method: clinical testing. Allele origin: germline.
Comment: The p.D2913E variant (also known as c.8739T>G), located in coding exon 59 of the ATM gene, results from a T to G substitution at nucleotide position 8739. The aspartic acid at codon 2913 is replaced by glutamic acid, an amino acid with highly similar properties. This amino acid position is highly conserved in available vertebrate species. In addition, the in silico prediction for this alteration is inconclusive. Based on the available evidence, the clinical significance of this variant remains unclear.

Labcorp Genetics (formerly Invitae), Labcorp
Classification: Uncertain significance for Ataxia-telangiectasia syndrome. Last evaluated: 2025-01-28. Review status: criteria provided, single submitter. Criteria: Invitae Variant Classification Sherloc (09022015). Collection method: clinical testing. Allele origin: germline.
Comment: This sequence change replaces aspartic acid, which is acidic and polar, with glutamic acid, which is acidic and polar, at codon 2913 of the ATM protein (p.Asp2913Glu). This variant is not present in population databases (gnomAD no frequency). This variant has not been reported in the literature in individuals affected with ATM-related conditions. ClinVar contains an entry for this variant (Variation ID: 407467). Invitae Evidence Modeling of protein sequence and biophysical properties (such as structural, functional, and spatial information, amino acid conservation, physicochemical variation, residue mobility, and thermodynamic stability) has been performed for this missense variant. However, the output from this modeling did not meet the statistical confidence thresholds required to predict the impact of this variant on ATM protein function. This variant disrupts the p.Asp2913 amino acid residue in ATM. Other variant(s) that disrupt this residue have been determined to be pathogenic (PMID: 21665257, 22071889, 31050087). This suggests that this residue is clinically significant, and that variants that disrupt this residue are likely to be disease-causing. In summary, the available evidence is currently insufficient to determine the role of this variant in disease. Therefore, it has been classified as a Variant of Uncertain Significance.

Color Diagnostics, LLC DBA Color Health
Classification: Uncertain significance for Hereditary cancer-predisposing syndrome. Last evaluated: 2019-11-01. Review status: criteria provided, single submitter. Criteria: ACMG Guidelines, 2015. Collection method: clinical testing. Allele origin: germline.
Comment: This missense variant replaces aspartic acid with glutamic acid at codon 2913 of the ATM protein. Computational prediction is inconclusive regarding the impact of this variant on protein structure and function (internally defined REVEL score threshold 0.5 < inconclusive < 0.7, PMID: 27666373). Splice site prediction tools suggest that this variant may not impact RNA splicing. To our knowledge, functional studies have not been performed for this variant. This variant has not been reported in individuals affected with hereditary cancer in the literature. This variant has not been identified in the general population by the Genome Aggregation Database (gnomAD). The available evidence is insufficient to determine the role of this variant in disease conclusively. Therefore, this variant is classified as a Variant of Uncertain Significance.

Natera, Inc.
Classification: Uncertain significance for Ataxia-telangiectasia. Last evaluated: 2021-07-29. Review status: no assertion criteria provided. Collection method: clinical testing. Allele origin: germline. Not counted in ClinVar's aggregate classification.

Literature cited by the submitters: PubMed 21665257 (cited by Labcorp Genetics (formerly Invitae), Labcorp); PubMed 22071889 (cited by Labcorp Genetics (formerly Invitae), Labcorp); PubMed 31050087 (cited by Labcorp Genetics (formerly Invitae), Labcorp).